The following is an entry in ClinVar:

ClinVar aggregate classification (germline): Pathogenic (1 of 4 stars; one submission).

Conditions:
Dyskeratosis congenita, autosomal dominant 2. Identifiers: MedGen C3151443, MONDO:0013521, OMIM 613989.
Idiopathic Pulmonary Fibrosis. Also called: Idiopathic fibrosing alveolitis, chronic form; idiopathic fibrosing alveolitis. Identifiers: Orphanet 2032, MedGen C1800706, MeSH D054990, MONDO:0800504.

Submission:

Labcorp Genetics (formerly Invitae), Labcorp
Classification: Pathogenic for Dyskeratosis congenita, autosomal dominant 2; Idiopathic Pulmonary Fibrosis. Last evaluated: 2019-12-15. Review status: criteria provided, single submitter. Criteria: Invitae Variant Classification Sherloc (09022015). Collection method: clinical testing. Allele origin: germline.
Comment: Loss-of-function variants in TERT are known to be pathogenic (PMID: 16247010, 17460043). For these reasons, this variant has been classified as Pathogenic. This variant has not been reported in the literature in individuals with TERT-related conditions. This sequence change creates a premature translational stop signal (p.His205Profs*2) in the TERT gene. It is expected to result in an absent or disrupted protein product. This variant is not present in population databases (ExAC no frequency).

Literature cited by the submitters: PubMed 16247010; PubMed 17460043.

NM_198253.3(TERT):c.613dup (p.His205fs)

Gene: TERT (telomerase reverse transcriptase; minus strand). Cytogenetic location: 5p15.33.
Variant type: Duplication.
Coding change: c.613dup on transcript NM_198253.3 (MANE Select); coding-DNA position 613, one base duplicated (C; older notation c.613dupC).
Protein change: p.His205fs; shifts the reading frame from histidine 205.
Molecular consequence: frameshift variant. On other transcripts: non-coding transcript variant (2).
Genome position (GRCh38, 1-based): chr5:1,294,273, G duplicated on the plus strand (C on the coding strand, the reverse complement: TERT is on the minus strand); the first of 2 consecutive G bases (chr5:1,294,273-1,294,274); duplicating either gives the same sequence. VCF-style (leftmost placement, unchanged base first): chr5-1294272-T-TG. GRCh37 (hg19) VCF-style: chr5-1294387-T-TG.
Other names: c.613dup, p.His205fs (NM_001193376.3); short protein forms H205fs.
Identifiers: ClinVar variation 850035 (VCV000850035.46), dbSNP rs1751227147, ClinGen allele CA916081465.
Genomic context (GRCh38, chr5:1,294,272, plus strand): 5'-CCGCGCCTCCTCGCACCCGGGGCTGGCAGGCCCAGGGGGACCCCGGCCTCCCTGACGCTA[T>TG]GGTTCCAGGCCCGTTCGCATCCCAGACGCCTTCGGGGTCCACTAGCGTGTGGCGGGGGCC-3'